The following is an entry in ClinVar:

ClinVar aggregate classification (germline): Conflicting classifications of pathogenicity. Review status: criteria provided, conflicting classifications (1 of 4 stars). 2 submissions from 2 submitters: Uncertain significance (1); Benign (1). Last evaluated 2025-09-11.

Conditions:
COL4A2-related disorder. Also called: COL4A2-related disorders; COL4A2-related condition.

Allele frequency attached by ClinVar (database versions not stated): ExAC 0.00012; ESP Exome Variant Server 0.00034; gnomAD 0.00039; 1000 Genomes Project 0.00040; 1000 Genomes Project 30x 0.00047.
gnomAD v4.1: 100 of 1,613,982 alleles (0.0062%); highest among the groups gnomAD compares: African/African-American, 0.13%; no homozygotes.

Submissions (2):

Labcorp Genetics (formerly Invitae), Labcorp
Classification: Benign. Last evaluated: 2025-09-11. Review status: criteria provided, single submitter. Criteria: Invitae Variant Classification Sherloc (09022015). Collection method: clinical testing. Allele origin: germline.

PreventionGenetics, part of Exact Sciences
Classification: Uncertain significance for COL4A2-related condition. Last evaluated: 2023-08-16. Review status: criteria provided, single submitter. Criteria: ACMG Guidelines, 2015. Collection method: clinical testing. Allele origin: germline.
Comment: The COL4A2 c.2762A>T variant is predicted to result in the amino acid substitution p.Asp921Val. To our knowledge, this variant has not been reported in the literature. This variant is reported in 0.14% of alleles in individuals of African descent in gnomAD, which may be too common to be a primary cause of disease. Although we suspect that this variant may be benign, at this time, the clinical significance of this variant is uncertain due to the absence of conclusive functional and genetic evidence.

NM_001846.4(COL4A2):c.2762A>T (p.Asp921Val)

Gene: COL4A2 (collagen type IV alpha 2 chain; plus strand). Cytogenetic location: 13q34.
Variant type: single nucleotide variant.
Coding change: c.2762A>T on transcript NM_001846.4 (MANE Select); coding-DNA position 2762, A replaced by T.
Protein change: p.Asp921Val; replaces aspartic acid 921 with valine.
Molecular consequence: missense variant.
Genome position (GRCh38, 1-based): chr13:110,482,519, A>T. VCF-style: chr13-110482519-A-T. GRCh37 (hg19) VCF-style: chr13-111134866-A-T.
Other names: c.2762A>T (NM_001846.3); short protein forms D921V.
Identifiers: ClinVar variation 2188993 (VCV002188993.5), dbSNP rs369814664, ClinGen allele CA7050003.
Genomic context (GRCh38, chr13:110,482,519, plus strand): 5'-AATGTCCCATGCATTTTATTCATGTCTAACCCAGCACTTTTCTCTTTTCCTCTGAAGGAG[A>T]TAGAGGCTCACCTGGGATGGATGGTTTCCAAGGCATGCCTGGACTCAAAGGGAGACCCGG-3'
Protein context (NP_001837.2, residues 911-931): GMPGTPGLKG[Asp921Val]RGSPGMDGFQ